The following is an entry in ClinVar:

ClinVar aggregate classification (germline): Uncertain significance. Review status: criteria provided, multiple submitters, no conflicts (2 of 4 stars). 3 submissions from 3 submitters: Uncertain significance (3). Last evaluated 2024-10-22.

Conditions:
Charcot-Marie-Tooth disease. Also called: Charcot-Marie-Tooth Hereditary Neuropathy; Charcot-Marie-Tooth Neuropathy. Identifiers: Orphanet 166, MedGen C0007959, MONDO:0015626.
Charcot-Marie-Tooth disease axonal type 2O. Also called: CHARCOT-MARIE-TOOTH NEUROPATHY, AXONAL, TYPE 2O; CHARCOT-MARIE-TOOTH DISEASE, AXONAL, AUTOSOMAL DOMINANT, TYPE 2O; Charcot-Marie-Tooth Neuropathy Type 2O; Charcot-Marie-Tooth disease, axonal, type 20. Identifiers: Orphanet 284232, MedGen C3280220, MONDO:0013644, OMIM 614228.

Submissions (3):

Labcorp Genetics (formerly Invitae), Labcorp
Classification: Uncertain significance for Charcot-Marie-Tooth disease axonal type 2O. Last evaluated: 2024-10-22. Review status: criteria provided, single submitter. Criteria: Invitae Variant Classification Sherloc (09022015). Collection method: clinical testing. Allele origin: germline.
Comment: This sequence change replaces glutamic acid, which is acidic and polar, with lysine, which is basic and polar, at codon 4537 of the DYNC1H1 protein (p.Glu4537Lys). This variant is not present in population databases (gnomAD no frequency). This variant has not been reported in the literature in individuals affected with DYNC1H1-related conditions. ClinVar contains an entry for this variant (Variation ID: 917264). Invitae Evidence Modeling of protein sequence and biophysical properties (such as structural, functional, and spatial information, amino acid conservation, physicochemical variation, residue mobility, and thermodynamic stability) has been performed for this missense variant. However, the output from this modeling did not meet the statistical confidence thresholds required to predict the impact of this variant on DYNC1H1 protein function. In summary, the available evidence is currently insufficient to determine the role of this variant in disease. Therefore, it has been classified as a Variant of Uncertain Significance.

GeneDx
Classification: Uncertain significance. Last evaluated: 2023-10-10. Review status: criteria provided, single submitter. Criteria: GeneDx Variant Classification Process June 2021. Collection method: clinical testing. Allele origin: germline. Affected: yes.
Comment: Not observed at significant frequency in large population cohorts (gnomAD); In silico analysis supports that this missense variant has a deleterious effect on protein structure/function; Has not been previously published as pathogenic or benign to our knowledge; This variant is associated with the following publications: (PMID: 25512093, 25609763, 26100331)

Molecular Genetics Laboratory, London Health Sciences Centre
Classification: Uncertain significance for Charcot-Marie-Tooth disease. Review status: criteria provided, single submitter. Criteria: ACMG Guidelines, 2015. Collection method: clinical testing. Allele origin: germline. Affected: yes.

NM_001376.5(DYNC1H1):c.13609G>A (p.Glu4537Lys)

Gene: DYNC1H1 (dynein cytoplasmic 1 heavy chain 1; plus strand). Cytogenetic location: 14q32.31.
Variant type: single nucleotide variant.
Coding change: c.13609G>A on transcript NM_001376.5 (MANE Select); coding-DNA position 13609, G replaced by A.
Protein change: p.Glu4537Lys; replaces glutamic acid 4537 with lysine.
Molecular consequence: missense variant.
Genome position (GRCh38, 1-based): chr14:102,049,807, G>A. VCF-style: chr14-102049807-G-A. GRCh37 (hg19) VCF-style: chr14-102516144-G-A.
Other names: short protein forms E4537K.
Identifiers: ClinVar variation 917264 (VCV000917264.10), dbSNP rs2048779548, ClinGen allele CA391050465.